The following is an entry in ClinVar:

NM_001613.4(ACTA2):c.991-4A>C

Genes: ACTA2-AS1 (ACTA2 antisense RNA 1; plus strand), ACTA2 (actin alpha 2, smooth muscle; minus strand). Cytogenetic location: 10q23.31.
Variant type: single nucleotide variant.
Coding change: c.991-4A>C on transcript NM_001613.4 (MANE Select); 4 bases into the intron before coding-DNA position 991, A replaced by C.
Molecular consequence: intron variant. On other transcripts: non-coding transcript variant (1).
Genome position (GRCh38, 1-based): chr10:88,935,370, T>G on the plus strand (A>C on the coding strand, the complement: ACTA2 is on the minus strand). VCF-style: chr10-88935370-T-G. GRCh37 (hg19) VCF-style: chr10-90695127-T-G.
Other names: c.862-4A>C (NM_001406467.1, NM_001406468.1, NM_001406469.1); c.991-4A>C (NM_001320855.2, NM_001406462.1, NM_001141945.3 and 2 more transcripts); c.799-4A>C (NM_001406471.1); c.880-4A>C (NM_001406466.1).
Identifiers: ClinVar variation 1171155 (VCV001171155.13), dbSNP rs761599964, ClinGen allele CA030508.

ClinVar aggregate classification (germline): Conflicting classifications of pathogenicity. Review status: criteria provided, conflicting classifications (1 of 4 stars). 3 submissions from 3 submitters: Uncertain significance (1); Likely benign (2). Last evaluated 2025-07-01.

Conditions:
Familial thoracic aortic aneurysm and aortic dissection (TAAD). Also called: Thoracic aortic aneurysms and dissections. Identifiers: Orphanet 91387, MedGen C4707243, MONDO:0019625.
Aortic aneurysm, familial thoracic 6 (AAT6). Also called: FAMILIAL THORACIC AORTIC ANEURYSM WITH LIVEDO RETICULARIS AND IRIS FLOCCULI. Identifiers: MedGen C2673186, MONDO:0012730, OMIM 611788.

Allele frequency attached by ClinVar (database versions not stated): gnomAD exomes below 0.00001 and 0.00001; ExAC 0.00001.
gnomAD v4.1: 14 of 1,613,626 alleles (0.00087%); highest among the groups gnomAD compares: Non-Finnish European, 0.0012%; no homozygotes.

Submissions (3):

Color Diagnostics, LLC DBA Color Health
Classification: Likely benign for Familial thoracic aortic aneurysm and aortic dissection. Last evaluated: 2025-07-01. Review status: criteria provided, single submitter. Criteria: ACMG Guidelines, 2015. Collection method: clinical testing. Allele origin: germline.

Labcorp Genetics (formerly Invitae), Labcorp
Classification: Likely benign for Aortic aneurysm, familial thoracic 6. Last evaluated: 2025-05-27. Review status: criteria provided, single submitter. Criteria: Invitae Variant Classification Sherloc (09022015). Collection method: clinical testing. Allele origin: germline.

All of Us Research Program, National Institutes of Health
Classification: Uncertain significance for Familial thoracic aortic aneurysm and aortic dissection. Last evaluated: 2023-05-30. Review status: criteria provided, single submitter. Criteria: ACMG Guidelines, 2015. Collection method: clinical testing. Allele origin: germline. Inheritance: Autosomal dominant inheritance. Observed: 1 variant allele, 1 heterozygote.
Comment: This variant causes an A to C nucleotide substitution at the -4 position of intron 8 of the ACTA2 gene. Splice site prediction tools and conservation analysis are inconclusive regarding the impact of this variant on RNA splicing. To our knowledge, functional studies have not been reported for this variant. This variant has not been reported in individuals affected with cardiovascular disorders in the literature. This variant has been identified in 1/251088 chromosomes in the general population by the Genome Aggregation Database (gnomAD). The available evidence is insufficient to determine the role of this variant in disease conclusively. Therefore, this variant is classified as a Variant of Uncertain Significance.

This study involves interpretation of variants in research participants for the purpose of population health screening. Participant phenotype was not available at the time of variant classification. Additional details can be found in publication PMID: 35346344, PMCID: PMC8962531